The following is an entry in ClinVar:

NM_001063.3(TF):c.-84G>T

Gene: TF (transferrin; plus strand). Cytogenetic location: 3q22.1.
Variant type: single nucleotide variant.
Coding change: c.-84G>T on transcript NM_001063.3; 84 bases upstream of the start codon, G replaced by T.
Molecular consequence: intron variant (on NM_001354703.2).
Genome position (GRCh38, 1-based): chr3:133,746,357, G>T. VCF-style: chr3-133746357-G-T. GRCh37 (hg19) VCF-style: chr3-133465201-G-T.
Other names: c.-89-2055G>T (NM_001354703.2).
Identifiers: ClinVar variation 343420 (VCV000343420.8), dbSNP rs8177186, ClinGen allele CA10615358.

ClinVar aggregate classification (germline): Benign. Review status: criteria provided, multiple submitters, no conflicts (2 of 4 stars). 2 submissions from 2 submitters: Benign (2). Last evaluated 2018-03-06.

Conditions:
Atransferrinemia. Also called: Familial hypotransferrinemia. Identifiers: Orphanet 1195, MedGen C0521802, MONDO:0008846, OMIM 209300, HP:0012239.

Allele frequency attached by ClinVar (database versions not stated): gnomAD 0.07960; 1000 Genomes Project 30x 0.13835; 1000 Genomes Project 0.14137; TOPMed 0.09063.
gnomAD v4.1: 96,508 of 1,500,568 alleles (6.4%); highest among the groups gnomAD compares: East Asian, 24%; 4,586 homozygotes.

Submissions (2):

Illumina Laboratory Services, Illumina
Classification: Benign for Atransferrinemia. Last evaluated: 2018-03-06. Review status: criteria provided, single submitter. Criteria: ICSL Variant Classification Criteria 13 December 2019. Collection method: clinical testing. Allele origin: germline.
Comment: This variant was observed in the ICSL laboratory as part of a predisposition screen in an ostensibly healthy population. It had not been previously curated by ICSL or reported in the Human Gene Mutation Database (HGMD: prior to June 1st, 2018), and was therefore a candidate for classification through an automated scoring system. Utilizing variant allele frequency, disease prevalence and penetrance estimates, and inheritance mode, an automated score was calculated to assess if this variant is too frequent to cause the disease. Based on the score and internal cut-off values, a variant classified as benign is not then subjected to further curation. The score for this variant resulted in a classification of benign for this disease.

Breakthrough Genomics
Classification: Benign. Review status: criteria provided, single submitter. Criteria: ACMG Guidelines, 2015. Collection method: not provided. Allele origin: germline. Inheritance: Autosomal recessive inheritance. Affected: yes.